The following is an entry in ClinVar:

NM_002485.5(NBN):c.2103_2115del (p.Ile702fs)

Gene: NBN (nibrin; minus strand). Cytogenetic location: 8q21.3.
Variant type: Deletion.
Coding change: c.2103_2115del on transcript NM_002485.5 (MANE Select); coding-DNA positions 2103 to 2115, 13 bases deleted (CATCATTGGAGGA).
Protein change: p.Ile702fs; shifts the reading frame from isoleucine 702.
Molecular consequence: frameshift variant.
Genome position (GRCh38, 1-based): chr8:89,943,322-89,943,334, TCCTCCAATGATG deleted on the plus strand (CATCATTGGAGGA on the coding strand, the reverse complement: NBN is on the minus strand); deleting any 13 consecutive bases within chr8:89,943,322-89,943,335 gives the same sequence; the c. name uses the placement nearest the transcript's 3' end. VCF-style (leftmost placement, unchanged base first): chr8-89943321-ATCCTCCAATGATG-A. GRCh37 (hg19) VCF-style: chr8-90955549-ATCCTCCAATGATG-A.
Other names: c.1857_1869del, p.Ile620fs (NM_001024688.3, NM_001440379.1, NM_001440380.1); short protein forms I620fs, I702fs.
Identifiers: ClinVar variation 5016238 (VCV005016238.1).

ClinVar aggregate classification (germline): Pathogenic (1 of 4 stars; one submission).

Conditions:
Microcephaly, normal intelligence and immunodeficiency (NBS). Also called: IMMUNODEFICIENCY, MICROCEPHALY, AND CHROMOSOMAL INSTABILITY; SEEMANOVA SYNDROME II; Nijmegen breakage syndrome; Microcephaly with normal intelligence immunodeficiency and lymphoreticular malignancies; Nonsyndromal microcephaly autosomal recessive with normal intelligence; Seemanova syndrome 2. Identifiers: Orphanet 647, MedGen C0398791, MONDO:0009623, OMIM 251260.

Submission:

Myriad Genetics, Inc.
Classification: Pathogenic for Microcephaly, normal intelligence and immunodeficiency. Last evaluated: 2026-08-15. Review status: criteria provided, single submitter. Criteria: Myriad Autosomal Dominant, Autosomal Recessive and X-Linked Classification Criteria (2023). Collection method: clinical testing. Allele origin: unknown.
Comment: NM_002485.4(NBN):c.2103_2115del13(I702Qfs*3) is expected to be pathogenic in the context of Nijmegen breakage syndrome. This variant is predicted to lead to an abnormal or absent protein product due to the creation of a premature termination codon in NBN, a gene where loss-of-function variants are known to be pathogenic. Please note: this variant was assessed in the context of healthy population screening.